The following is an entry in ClinVar:

NM_004360.5(CDH1):c.1955T>C (p.Leu652Ser)

Gene: CDH1 (cadherin 1; plus strand). Cytogenetic location: 16q22.1.
Variant type: single nucleotide variant.
Coding change: c.1955T>C on transcript NM_004360.5 (MANE Select); coding-DNA position 1955, T replaced by C.
Protein change: p.Leu652Ser; replaces leucine 652 with serine.
Molecular consequence: missense variant. On other transcripts: 5 prime UTR variant (1).
Genome position (GRCh38, 1-based): chr16:68,823,417, T>C. VCF-style: chr16-68823417-T-C. GRCh37 (hg19) VCF-style: chr16-68857320-T-C.
Other names: c.1772T>C, p.Leu591Ser (NM_001317184.2); c.407T>C, p.Leu136Ser (NM_001317185.2); c.-11T>C (NM_001317186.2); short protein forms L591S, L136S, L652S.
Identifiers: ClinVar variation 1483007 (VCV001483007.8), dbSNP rs1567513174, ClinGen allele CA396467535.

ClinVar aggregate classification (germline): Uncertain significance (1 of 4 stars; one submission).

Conditions:
Hereditary diffuse gastric adenocarcinoma (HDGC). Also called: DIFFUSE GASTRIC AND LOBULAR BREAST CANCER SYNDROME. Identifiers: Orphanet 26106, MedGen C1708349, MONDO:0007648, OMIM 137215.

Submission:

Labcorp Genetics (formerly Invitae), Labcorp
Classification: Uncertain significance for Hereditary diffuse gastric adenocarcinoma. Last evaluated: 2021-07-16. Review status: criteria provided, single submitter. Criteria: Invitae Variant Classification Sherloc (09022015). Collection method: clinical testing. Allele origin: germline.
Comment: In summary, the available evidence is currently insufficient to determine the role of this variant in disease. Therefore, it has been classified as a Variant of Uncertain Significance. Algorithms developed to predict the effect of missense changes on protein structure and function (SIFT, PolyPhen-2, Align-GVGD) all suggest that this variant is likely to be disruptive, but these predictions have not been confirmed by published functional studies and their clinical significance is uncertain. This variant has not been reported in the literature in individuals with CDH1-related conditions. This variant is not present in population databases (ExAC no frequency). This sequence change replaces leucine with serine at codon 652 of the CDH1 protein (p.Leu652Ser). The leucine residue is highly conserved and there is a large physicochemical difference between leucine and serine.